The following is an entry in ClinVar:

NM_001291303.3(FAT4):c.10720A>G (p.Ile3574Val)

Gene: FAT4 (FAT atypical cadherin 4; plus strand). Cytogenetic location: 4q28.1.
Variant type: single nucleotide variant.
Coding change: c.10720A>G on transcript NM_001291303.3 (MANE Select); coding-DNA position 10720, A replaced by G.
Protein change: p.Ile3574Val; replaces isoleucine 3574 with valine.
Molecular consequence: missense variant.
Genome position (GRCh38, 1-based): chr4:125,451,730, A>G. VCF-style: chr4-125451730-A-G. GRCh37 (hg19) VCF-style: chr4-126372885-A-G.
Other names: c.10720A>G, p.Ile3574Val (NM_001291285.3); c.10714A>G, p.Ile3572Val (NM_024582.6); short protein forms I3574V, I3572V.
Identifiers: ClinVar variation 2766213 (VCV002766213.3), dbSNP rs2530912281, ClinGen allele CA358159516.
Genomic context (GRCh38, chr4:125,451,730, plus strand): 5'-GGTCCTGCCACCAGTTATTTCAGTCTGAGCACTGCTGGAGTTCTGAGCACAACCAGAGAG[A>G]TTGACAGAGAGCAGATTGCAGACTTCTATCTGTCTGTGGTTACCAAGGATTCTGGTGTTC-3'
Protein context (NP_001278232.1, residues 3564-3584): TAGVLSTTRE[Ile3574Val]DREQIADFYL

ClinVar aggregate classification (germline): Uncertain significance (1 of 4 stars; one submission).

Submission:

Labcorp Genetics (formerly Invitae), Labcorp
Classification: Uncertain significance. Last evaluated: 2023-10-05. Review status: criteria provided, single submitter. Criteria: Invitae Variant Classification Sherloc (09022015). Collection method: clinical testing. Allele origin: germline.
Comment: This sequence change replaces isoleucine, which is neutral and non-polar, with valine, which is neutral and non-polar, at codon 3572 of the FAT4 protein (p.Ile3572Val). This variant is not present in population databases (gnomAD no frequency). This variant has not been reported in the literature in individuals affected with FAT4-related conditions. Advanced modeling of protein sequence and biophysical properties (such as structural, functional, and spatial information, amino acid conservation, physicochemical variation, residue mobility, and thermodynamic stability) performed at Invitae indicates that this missense variant is not expected to disrupt FAT4 protein function. In summary, the available evidence is currently insufficient to determine the role of this variant in disease. Therefore, it has been classified as a Variant of Uncertain Significance.